The following is an entry in ClinVar:

ClinVar aggregate classification (germline): Pathogenic/Likely pathogenic. Review status: criteria provided, multiple submitters, no conflicts (2 of 4 stars). 2 submissions from 2 submitters: Pathogenic (1); Likely pathogenic (1). Last evaluated 2022-11-01.

Conditions:
Chondrodysplasia punctata 2 X-linked dominant (CDPX2). Also called: Hunermann-Conradi Syndrome; CONRADI-HUNERMANN-HAPPLE SYNDROME; HAPPLE SYNDROME; EBP-Related X-Linked Chondrodysplasia Punctata. Identifiers: Orphanet 35173, MedGen C0282102, MONDO:0020603, OMIM 302960.

Submissions (3):

Labcorp Genetics (formerly Invitae), Labcorp
Classification: Pathogenic. Last evaluated: 2022-11-01. Review status: criteria provided, single submitter. Criteria: Invitae Variant Classification Sherloc (09022015). Collection method: clinical testing. Allele origin: germline.
Comment: This sequence change replaces tryptophan, which is neutral and slightly polar, with cysteine, which is neutral and slightly polar, at codon 68 of the EBP protein (p.Trp68Cys). This variant is not present in population databases (gnomAD no frequency). This missense change has been observed in individual(s) with Conradi-Hünermann-Happle syndrome (PMID: 24915996, 29851033). ClinVar contains an entry for this variant (Variation ID: 158533). For these reasons, this variant has been classified as Pathogenic. Algorithms developed to predict the effect of sequence changes on RNA splicing suggest that this variant may disrupt the consensus splice site. Advanced modeling of protein sequence and biophysical properties (such as structural, functional, and spatial information, amino acid conservation, physicochemical variation, residue mobility, and thermodynamic stability) performed at Invitae indicates that this missense variant is expected to disrupt EBP protein function.

Genetic Services Laboratory, University of Chicago
Classification: Likely pathogenic for Chondrodysplasia punctata, X-linked dominant. Last evaluated: 2013-02-08. Review status: criteria provided, single submitter. Criteria: ACMG Guidelines, 2007. Collection method: clinical testing. Allele origin: germline. Inheritance: X-linked inheritance. Affected: yes.

Dr. Peter K. Rogan Lab, Western University
No classification provided (evidence only). Condition: Nonpapillary renal cell carcinoma. Review status: no classification provided. Collection method: in vitro. Allele origin: not applicable. Functional consequence: skipped exon. Not counted in ClinVar's aggregate classification.

Literature cited by the submitters: PubMed 24915996 (cited by Labcorp Genetics (formerly Invitae), Labcorp); PubMed 29851033 (cited by Labcorp Genetics (formerly Invitae), Labcorp).

NM_006579.3(EBP):c.204G>T (p.Trp68Cys)

Gene: EBP (EBP cholestenol delta-isomerase; plus strand). Cytogenetic location: Xp11.23.
Variant type: single nucleotide variant.
Coding change: c.204G>T on transcript NM_006579.3 (MANE Select); coding-DNA position 204, G replaced by T.
Protein change: p.Trp68Cys; replaces tryptophan 68 with cysteine.
Molecular consequence: missense variant.
Genome position (GRCh38, 1-based): chrX:48,523,975, G>T. VCF-style: chrX-48523975-G-T. GRCh37 (hg19) VCF-style: chrX-48382363-G-T.
Other names: short protein forms W68C.
Identifiers: ClinVar variation 158533 (VCV000158533.11), dbSNP rs587783601, ClinGen allele CA271449.